The following is an entry in ClinVar:

ClinVar aggregate classification (germline): Benign/Likely benign. Review status: criteria provided, multiple submitters, no conflicts (2 of 4 stars). 7 submissions from 7 submitters: Benign (3); Likely benign (4). Last evaluated 2026-06-01.

Conditions:
Inborn genetic diseases. Identifiers: MedGen C0950123, MeSH D030342.
Collagen 6-related myopathy. Identifiers: MedGen CN117976, MONDO:0100225.
Bethlem myopathy 1A. Also called: Bethlem Muscular Dystrophy; Bethlem myopathy 1; MYOPATHY, BENIGN CONGENITAL, WITH CONTRACTURES. Identifiers: Orphanet 610, MedGen CN029274, MONDO:0024530, OMIM 158810.

Allele frequency attached by ClinVar (database versions not stated): TOPMed 0.00017; gnomAD exomes 0.00060 and 0.00147; ESP Exome Variant Server 0.00015; gnomAD 0.00008 and 0.00042; ExAC 0.00157; 1000 Genomes Project 0.00339; 1000 Genomes Project 30x 0.00328.
gnomAD v4.1: 962 of 1,614,154 alleles (0.06%); highest among the groups gnomAD compares: South Asian, 0.92%; 12 homozygotes.

Submissions (7):

CeGaT Center for Human Genetics Tuebingen
Classification: Likely benign. Last evaluated: 2026-06-01. Review status: criteria provided, single submitter. Criteria: CeGaT Center For Human Genetics Tuebingen Variant Classification Criteria Version 2. Collection method: clinical testing. Allele origin: germline. Affected: yes. Observed: 1 variant allele.
Comment: COL6A3: BP4, BS2

Labcorp Genetics (formerly Invitae), Labcorp
Classification: Benign for Bethlem myopathy 1A. Last evaluated: 2026-01-21. Review status: criteria provided, single submitter. Criteria: Invitae Variant Classification Sherloc (09022015). Collection method: clinical testing. Allele origin: germline.

Ambry Genetics
Classification: Likely benign for Inborn genetic diseases. Last evaluated: 2025-08-01. Review status: criteria provided, single submitter. Criteria: Ambry Variant Classification Scheme 2023. Collection method: clinical testing. Allele origin: germline.

GeneDx
Classification: Benign. Last evaluated: 2018-05-30. Review status: criteria provided, single submitter. Criteria: GeneDx Variant Classification (06012015). Collection method: clinical testing. Allele origin: germline. Affected: yes.
Comment: This variant is considered likely benign or benign based on one or more of the following criteria: it is a conservative change, it occurs at a poorly conserved position in the protein, it is predicted to be benign by multiple in silico algorithms, and/or has population frequency not consistent with disease.

Illumina Laboratory Services, Illumina
Classification: Benign for Collagen VI-related myopathy. Last evaluated: 2018-01-13. Review status: criteria provided, single submitter. Criteria: ICSL Variant Classification Criteria 13 December 2019. Collection method: clinical testing. Allele origin: germline.
Comment: This variant was observed in the ICSL laboratory as part of a predisposition screen in an ostensibly healthy population. It had not been previously curated by ICSL or reported in the Human Gene Mutation Database (HGMD: prior to June 1st, 2018), and was therefore a candidate for classification through an automated scoring system. Utilizing variant allele frequency, disease prevalence and penetrance estimates, and inheritance mode, an automated score was calculated to assess if this variant is too frequent to cause the disease. Based on the score and internal cut-off values, a variant classified as benign is not then subjected to further curation. The score for this variant resulted in a classification of benign for this disease.

Eurofins Ntd Llc (ga)
Classification: Likely benign. Last evaluated: 2017-10-13. Review status: criteria provided, single submitter. Criteria: EGL Classification Definitions 2015. Collection method: clinical testing. Allele origin: germline. Observed: 2 variant alleles, 2 heterozygotes.

Breakthrough Genomics
Classification: Likely benign. Review status: criteria provided, single submitter. Criteria: ACMG Guidelines, 2015. Collection method: not provided. Allele origin: germline. Inheritance: Autosomal recessive inheritance. Affected: yes.

NM_004369.4(COL6A3):c.34G>A (p.Val12Ile)

Gene: COL6A3 (collagen type VI alpha 3 chain; minus strand). Cytogenetic location: 2q37.3.
Variant type: single nucleotide variant.
Coding change: c.34G>A on transcript NM_004369.4 (MANE Select); coding-DNA position 34, G replaced by A.
Protein change: p.Val12Ile; replaces valine 12 with isoleucine.
Molecular consequence: missense variant.
Genome position (GRCh38, 1-based): chr2:237,396,784, C>T on the plus strand (G>A on the coding strand, the complement: COL6A3 is on the minus strand). VCF-style: chr2-237396784-C-T. GRCh37 (hg19) VCF-style: chr2-238305427-C-T.
Other names: c.34G>A, p.Val12Ile (NM_057164.5, NM_057165.5, NM_057166.5 and 1 more transcripts); short protein forms V12I.
Identifiers: ClinVar variation 166948 (VCV000166948.24), dbSNP rs137910388, ClinGen allele CA233847.
Genomic context (GRCh38, chr2:237,396,784, plus strand): 5'-TACCTGCTTGCTGCTGCTGGGCATGAGTTGTAGGAAAGCCTGAGAGAAAGAGGCAAAAGA[C>T]GGCCACTAAGGGCAAGTGCCGATGTTTCCTCATTTTGAATTTGTCTAAGCACCAAATATG-3'
Protein context (NP_004360.2, residues 2-22): RKHRHLPLVA[Val12Ile]FCLFLSGFPT